The following is an entry in ClinVar:

ClinVar aggregate classification (germline): Uncertain significance. Review status: criteria provided, multiple submitters, no conflicts (2 of 4 stars). 4 submissions from 4 submitters: Uncertain significance (4). Last evaluated 2025-02-03.

Conditions:
Inborn genetic diseases. Identifiers: MedGen C0950123, MeSH D030342.
Bartter disease type 1. Also called: Bartter syndrome, type 1, antenatal; HYPERPROSTAGLANDIN E SYNDROME 1; HYPOKALEMIC ALKALOSIS WITH HYPERCALCIURIA 1, ANTENATAL; Bartter Syndrome type 1. Identifiers: Orphanet 112, Orphanet 620217, MedGen C1866495, MONDO:0100344, OMIM 601678, MONDO:0011127.

Allele frequency attached by ClinVar (database versions not stated): TOPMed 0.00003; ExAC 0.00004; gnomAD exomes 0.00005; gnomAD 0.00007; ESP Exome Variant Server 0.00008; 1000 Genomes Project 30x 0.00016; 1000 Genomes Project 0.00020.
gnomAD v4.1: 81 of 1,613,852 alleles (0.005%); highest among the groups gnomAD compares: Middle Eastern, 0.13%; no homozygotes.

Submissions (4):

Labcorp Genetics (formerly Invitae), Labcorp
Classification: Uncertain significance. Last evaluated: 2025-02-03. Review status: criteria provided, single submitter. Criteria: Invitae Variant Classification Sherloc (09022015). Collection method: clinical testing. Allele origin: germline.
Comment: This sequence change replaces isoleucine, which is neutral and non-polar, with asparagine, which is neutral and polar, at codon 857 of the SLC12A1 protein (p.Ile857Asn). This variant is present in population databases (rs200514423, gnomAD 0.007%). This variant has not been reported in the literature in individuals affected with SLC12A1-related conditions. ClinVar contains an entry for this variant (Variation ID: 2154674). Invitae Evidence Modeling of protein sequence and biophysical properties (such as structural, functional, and spatial information, amino acid conservation, physicochemical variation, residue mobility, and thermodynamic stability) indicates that this missense variant is not expected to disrupt SLC12A1 protein function with a negative predictive value of 95%. In summary, the available evidence is currently insufficient to determine the role of this variant in disease. Therefore, it has been classified as a Variant of Uncertain Significance.

Fulgent Genetics
Classification: Uncertain significance for Bartter disease type 1. Last evaluated: 2024-06-20. Review status: criteria provided, single submitter. Criteria: ACMG Guidelines, 2015. Collection method: clinical testing. Allele origin: germline.

Blueprint Genetics
Classification: Uncertain significance. Last evaluated: 2023-12-18. Review status: criteria provided, single submitter. Criteria: ACMG Guidelines, 2015. Collection method: clinical testing. Allele origin: germline.

Ambry Genetics
Classification: Uncertain significance for Inborn genetic diseases. Last evaluated: 2021-09-01. Review status: criteria provided, single submitter. Criteria: Ambry Variant Classification Scheme 2023. Collection method: clinical testing. Allele origin: germline.

NM_000338.3(SLC12A1):c.2570T>A (p.Ile857Asn)

Gene: SLC12A1 (solute carrier family 12 member 1; plus strand). Cytogenetic location: 15q21.1.
Variant type: single nucleotide variant.
Coding change: c.2570T>A on transcript NM_000338.3 (MANE Select); coding-DNA position 2570, T replaced by A.
Protein change: p.Ile857Asn; replaces isoleucine 857 with asparagine.
Molecular consequence: missense variant.
Genome position (GRCh38, 1-based): chr15:48,285,190, T>A. VCF-style: chr15-48285190-T-A. GRCh37 (hg19) VCF-style: chr15-48577387-T-A.
Other names: c.2570T>A, p.Ile857Asn (NM_001184832.2, NM_001384136.1); c.2570T>A (NM_000338.2); short protein forms I857N.
Identifiers: ClinVar variation 2154674 (VCV002154674.5), dbSNP rs200514423, ClinGen allele CA7547443.